The following is an entry in ClinVar:

NM_178822.5(IGSF10):c.4576C>T (p.Pro1526Ser)

Gene: IGSF10 (immunoglobulin superfamily member 10; minus strand). Cytogenetic location: 3q25.1.
Variant type: single nucleotide variant.
Coding change: c.4576C>T on transcript NM_178822.5 (MANE Select); coding-DNA position 4576, C replaced by T.
Protein change: p.Pro1526Ser; replaces proline 1526 with serine.
Molecular consequence: missense variant.
Genome position (GRCh38, 1-based): chr3:151,445,405, G>A on the plus strand (C>T on the coding strand, the complement: IGSF10 is on the minus strand). VCF-style: chr3-151445405-G-A. GRCh37 (hg19) VCF-style: chr3-151163193-G-A.
Other names: c.4576C>T, p.Pro1526Ser (NM_001385060.1, NM_001385061.1, NM_001385062.1 and 1 more transcripts); short protein forms P1526S.
Identifiers: ClinVar variation 1967577 (VCV001967577.5), dbSNP rs2474487497, ClinGen allele CA354995715.

ClinVar aggregate classification (germline): Uncertain significance (1 of 4 stars; one submission).

Submission:

Labcorp Genetics (formerly Invitae), Labcorp
Classification: Uncertain significance. Last evaluated: 2022-04-09. Review status: criteria provided, single submitter. Criteria: Invitae Variant Classification Sherloc (09022015). Collection method: clinical testing. Allele origin: germline.
Comment: In summary, the available evidence is currently insufficient to determine the role of this variant in disease. Therefore, it has been classified as a Variant of Uncertain Significance. Algorithms developed to predict the effect of missense changes on protein structure and function output the following: SIFT: "Tolerated"; PolyPhen-2: "Benign"; Align-GVGD: "Class C0". The serine amino acid residue is found in multiple mammalian species, which suggests that this missense change does not adversely affect protein function. This variant has not been reported in the literature in individuals affected with IGSF10-related conditions. This variant is not present in population databases (gnomAD no frequency). This sequence change replaces proline, which is neutral and non-polar, with serine, which is neutral and polar, at codon 1526 of the IGSF10 protein (p.Pro1526Ser).